The following is an entry in ClinVar:

ClinVar aggregate classification (germline): Conflicting classifications of pathogenicity. Review status: criteria provided, conflicting classifications (1 of 4 stars). 22 submissions from 18 submitters: Uncertain significance (14); Likely benign (8). Last evaluated 2026-05-05.

Conditions:
Cardiovascular phenotype. Identifiers: MedGen CN230736.
Hereditary cancer-predisposing syndrome. Also called: Tumor predisposition; Neoplastic Syndromes, Hereditary; Hereditary neoplastic syndrome; Hereditary Cancer Syndrome. Identifiers: Orphanet 140162, MedGen C0027672, MeSH D009386, MONDO:0015356.
NF1-related disorder. Also called: NF1-related condition. Identifiers: MedGen CN379171.
Neurofibromatosis-Noonan syndrome (NFNS). Also called: NEUROFIBROMATOSIS WITH NOONAN PHENOTYPE. Identifiers: Orphanet 638, MedGen C2931482, MONDO:0011035, OMIM 601321. Disease mechanism: loss of function.
Neurofibromatosis, type 1 (NF1). Also called: NEUROFIBROMATOSIS, TYPE I, SOMATIC; VON RECKLINGHAUSEN DISEASE; Peripheral type neurofibromatosis; Neurofibromatosis, type I. Identifiers: Orphanet 636, MedGen C0027831, MONDO:0018975, OMIM 162200. Disease mechanism: loss of function.
Café-au-lait macules with pulmonary stenosis (WTSN). Also called: PULMONIC STENOSIS WITH CAFE-AU-LAIT SPOTS. Identifiers: MedGen C0553586, MONDO:0008672, OMIM 193520.
Neurofibromatosis, familial spinal (FSNF). Identifiers: Orphanet 636, MedGen C1834235, MONDO:0008078, OMIM 162210. Disease mechanism: loss of function.

Allele frequency attached by ClinVar (database versions not stated): ESP Exome Variant Server 0.00008; ExAC 0.00011; gnomAD 0.00013 and 0.00015; gnomAD exomes 0.00013 and 0.00021; TOPMed 0.00019.
gnomAD v4.1: 323 of 1,613,930 alleles (0.02%); highest among the groups gnomAD compares: Non-Finnish European, 0.025%; no homozygotes.

Submissions 1 to 15 of 22:

Women's Health and Genetics/Laboratory Corporation of America, LabCorp
Classification: Uncertain significance. Last evaluated: 2026-05-05. Review status: criteria provided, single submitter. Criteria: LabCorp Variant Classification Summary - May 2015. Collection method: clinical testing. Allele origin: germline.
Comment: Variant summary: NF1 c.3436G>A (p.Val1146Ile) results in a conservative amino acid change in the encoded protein sequence. Algorithms developed to predict the effect of missense changes on protein structure and function are either unavailable or do not agree on the potential impact of this missense change. The variant allele was found at a frequency of 0.00013 in 251366 control chromosomes, predominantly observed within the Latino subpopulation (at a frequency of 0.00023) and the in the European (Non-Finnish) subpopulation (at frequency of 0.00019) in the gnomAD database. The variant frequency in the Latino subpopulation is higher than expected for a pathogenic variant in NF1 causing Neurofibromatosis Type 1 (0.00023 vs 0.00021), suggesting that the variant is might be benign. In addition, the variant occurs in certain European subpopulations with even higher frequencies (e.g. in the Bulgarians (0.0015), and in Southern Europeans (0.00026)) further supporting a benign role. The c.3436G>A variant has been reported in the literature in an individual affected with Neurofibromatosis Type 1, however these publications cited the variant as a polymorphism (Trovo_2004, Trovo-Marqui_2005). It was also reported in a cohort with NF1 in at least 1 individual, without strong evidence for causality (example, Martorana_2023). Therefore these reports do not provide unequivocal conclusions about association of the variant with Neurofibromatosis Type 1. To our knowledge, no experimental evidence demonstrating an impact on protein function has been reported. The following publications have been ascertained in the context of this evaluation (PMID: 27069254, 10678181, 23460398, 29872168, NCCN_MDS, 27793025, 16138229, 37751797). ClinVar contains an entry for this variant (Variation ID: 141451). Based on the evidence outlined above, the variant was classified as VUS-possibly benign.

Labcorp Genetics (formerly Invitae), Labcorp
Classification: Likely benign for Neurofibromatosis, type 1. Last evaluated: 2026-01-31. Review status: criteria provided, single submitter. Criteria: Invitae Variant Classification Sherloc (09022015). Collection method: clinical testing. Allele origin: germline.

Myriad Genetics, Inc.
Classification: Likely benign for Neurofibromatosis, type 1. Last evaluated: 2026-01-16. Review status: criteria provided, single submitter. Criteria: Myriad Autosomal Dominant, Autosomal Recessive and X-Linked Classification Criteria (2023). Collection method: clinical testing. Allele origin: unknown.
Comment: This variant is considered likely benign. This variant has been observed at a population frequency that is significantly greater than expected given the associated disease prevalence and penetrance.

PreventionGenetics, part of Exact Sciences
Classification: Likely benign for NF1-related condition. Last evaluated: 2025-05-20. Review status: criteria provided, single submitter. Criteria: ACMG Guidelines, 2015. Collection method: clinical testing. Allele origin: germline.
Comment: This variant is classified as likely benign based on ACMG/AMP sequence variant interpretation guidelines (Richards et al. 2015 PMID: 25741868, with internal and published modifications).

Blueprint Genetics
Classification: Likely benign. Last evaluated: 2024-10-17. Review status: criteria provided, single submitter. Criteria: ACMG Guidelines, 2015. Collection method: clinical testing. Allele origin: germline.

Quest Diagnostics Nichols Institute San Juan Capistrano
Classification: Uncertain significance. Last evaluated: 2024-09-24. Review status: criteria provided, single submitter. Criteria: Quest Diagnostics criteria. Collection method: clinical testing. Allele origin: unknown.
Comment: The NF1 c.3436G>A (p.Val1146Ile) variant has been reported in individuals with Neurofibromatosis type 1 (PMID: 23656349 (2014), 16138229 (2005)) and breast cancer (PMID: 33471991 (2021), see also LOVD). This variant has also been reported as a somatic finding in a glioma tumor sample (PMID: 31891871 (2020)). In addition, this variant has been observed in reportedly individuals (PMID: 33471991 (2021), see also LOVD). The frequency of this variant in the general population, 0.00023 (8/35432 chromosomes in Admixed American subpopulation (Genome Aggregation Database)), is higher than would generally be expected for pathogenic variants in this gene. Analysis of this variant using bioinformatics tools for the prediction of the effect of amino acid changes on protein structure and function yielded predictions that this variant is damaging. Based on the available information, we are unable to determine the clinical significance of this variant.

Medical Genetics, University of Parma
Classification: Uncertain significance for Neurofibromatosis, type 1. Last evaluated: 2022-08-17. Review status: criteria provided, single submitter. Criteria: ACMG Guidelines, 2015. Collection method: clinical testing. Allele origin: germline. Inheritance: Autosomal dominant inheritance. Affected: yes.

MGZ Medical Genetics Center
Classification: Uncertain significance for Neurofibromatosis, type 1. Last evaluated: 2022-01-24. Review status: criteria provided, single submitter. Criteria: ACMG Guidelines, 2015. Collection method: clinical testing. Allele origin: germline. Affected: yes. Observed: 1 variant allele.
Comment: ACMG criteria applied: BP4

ARUP Laboratories, Molecular Genetics and Genomics, ARUP Laboratories
Classification: Uncertain significance. Last evaluated: 2021-04-06. Review status: criteria provided, single submitter. Criteria: ARUP Molecular Germline Variant Investigation Process 2021. Collection method: clinical testing. Allele origin: germline.
Comment: The NF1 c.3436G>A; p.Val1146Ile variant (rs201047812) is reported in the literature in individuals affected with neurofibromatosis type 1 or another unspecified cancer, but without clear association with disease (Trovo-Marqui 2005, Tsaousis 2019). This variant is also reported in ClinVar (Variation ID: 141451), and is found in the general population with an overall allele frequency of 0.012% (33/282760 alleles) in the Genome Aggregation Database. The valine at codon 1146 is moderately conserved, and computational analyses are uncertain whether this variant is neutral or deleterious (REVEL: 0.251). Due to limited information, the clinical significance of the p.Val1146Ile variant is uncertain at this time. References: Trovo-Marqui AB et al. High frequencies of plexiform neurofibromas, mental retardation, learning difficulties, and scoliosis in Brazilian patients with neurofibromatosis type 1. Braz J Med Biol Res. 2005 Sep;38(9):1441-7. PMID: 16138229. Tsaousis et al. Analysis of hereditary cancer syndromes by using a panel of genes: novel and multiple pathogenic mutations. BMC Cancer. 2019 Jun 3;19(1):535. PMID: 31159747

GeneDx
Classification: Likely benign. Last evaluated: 2020-10-30. Review status: criteria provided, single submitter. Criteria: GeneDx Variant Classification Process June 2021. Collection method: clinical testing. Allele origin: germline. Affected: yes.
Comment: This variant is associated with the following publications: (PMID: 31159747, 15627836, 16138229, 23656349, 31891871)

Genome Diagnostics Laboratory, The Hospital for Sick Children
Classification: Uncertain significance for Neurofibromatosis, type 1. Last evaluated: 2020-10-26. Review status: criteria provided, single submitter. Criteria: ACMG Guidelines, 2015. Collection method: clinical testing. Allele origin: germline. Affected: yes.

Sema4
Classification: Likely benign for Hereditary cancer-predisposing syndrome. Last evaluated: 2020-10-23. Review status: criteria provided, single submitter. Criteria: Sema4 Curation Guidelines. Collection method: curation. Allele origin: germline.

Genetic Services Laboratory, University of Chicago
Classification: Uncertain significance. Last evaluated: 2018-10-24. Review status: criteria provided, single submitter. Criteria: ACMG Guidelines, 2015. Collection method: clinical testing. Allele origin: germline. Affected: no.

GeneKor MSA
Classification: Uncertain significance for Hereditary cancer-predisposing syndrome. Last evaluated: 2018-08-01. Review status: criteria provided, single submitter. Criteria: ACMG Guidelines, 2015. Collection method: clinical testing. Allele origin: germline. Affected: yes.

Mendelics
Classification: Uncertain significance for Neurofibromatosis, type 1. Last evaluated: 2018-07-02. Review status: criteria provided, single submitter. Criteria: Mendelics Assertion Criteria 2017. Collection method: clinical testing. Allele origin: unknown.

NM_001042492.3(NF1):c.3436G>A (p.Val1146Ile)

Gene: NF1 (neurofibromin 1; plus strand). Cytogenetic location: 17q11.2.
Variant type: single nucleotide variant.
Coding change: c.3436G>A on transcript NM_001042492.3 (MANE Select); coding-DNA position 3436, G replaced by A.
Protein change: p.Val1146Ile; replaces valine 1146 with isoleucine.
Molecular consequence: missense variant.
Genome position (GRCh38, 1-based): chr17:31,232,821, G>A. VCF-style: chr17-31232821-G-A. GRCh37 (hg19) VCF-style: chr17-29559839-G-A.
Other names: c.3436G>A, p.Val1146Ile (NM_000267.4); short protein forms V1146I.
Identifiers: ClinVar variation 141451 (VCV000141451.46), dbSNP rs201047812, ClinGen allele CA165440.